The following is an entry in ClinVar:

ClinVar aggregate classification (germline): Pathogenic. Review status: criteria provided, multiple submitters, no conflicts (2 of 4 stars). 4 submissions from 4 submitters: Pathogenic (3). 1 of the submissions does not count toward it. Last evaluated 2023-03-06.

Conditions:
TBX5-related disorder. Also called: TBX5-related condition.
Holt-Oram syndrome (HOS). Also called: TBX5-Related Holt-Oram Syndrome; Ventriculo-radial syndrome; Cardiac-limb syndrome; Heart-hand syndrome, type 1. Identifiers: Orphanet 392, MedGen C0265264, MONDO:0007732, OMIM 142900.

Submissions (4):

GeneDx
Classification: Pathogenic. Last evaluated: 2023-03-06. Review status: criteria provided, single submitter. Criteria: GeneDx Variant Classification Process June 2021. Collection method: clinical testing. Allele origin: germline. Affected: yes.
Comment: Nonsense variant predicted to result in protein truncation or nonsense mediated decay in a gene for which loss of function is a known mechanism of disease; Not observed at significant frequency in large population cohorts (gnomAD); This variant is associated with the following publications: (PMID: 25525159, 25623069, 29707177, 15039979, 24664498, 15355425, 8988165)

Blueprint Genetics
Classification: Pathogenic for TBX5-related disorders. Last evaluated: 2023-01-16. Review status: criteria provided, single submitter. Criteria: ACMG Guidelines, 2015. Collection method: clinical testing. Allele origin: germline. Affected: yes. Observed: 1 variant allele.

Genomic Medicine Lab, University of California San Francisco
Classification: Pathogenic for Holt-Oram syndrome. Last evaluated: 2019-04-11. Review status: criteria provided, single submitter. Criteria: ACMG Guidelines, 2015. Collection method: clinical testing. Allele origin: de novo. Inheritance: Autosomal dominant inheritance. Affected: yes. Study: CSER-P3EGS.

OMIM
Classification: Pathogenic for HOLT-ORAM SYNDROME. Last evaluated: 1997-01-01. Review status: no assertion criteria provided. Collection method: literature only. Allele origin: germline. Not counted in ClinVar's aggregate classification.

Literature cited by the submitters: PubMed 8988165 (cited by OMIM).

NM_181486.4(TBX5):c.205G>T (p.Glu69Ter)

Gene: TBX5 (T-box transcription factor 5; minus strand). Cytogenetic location: 12q24.21.
Variant type: single nucleotide variant.
Coding change: c.205G>T on transcript NM_181486.4 (MANE Select); coding-DNA position 205, G replaced by T.
Protein change: p.Glu69Ter; replaces glutamic acid 69 with a stop codon.
Molecular consequence: nonsense.
Genome position (GRCh38, 1-based): chr12:114,401,863, C>A on the plus strand (G>T on the coding strand, the complement: TBX5 is on the minus strand). VCF-style: chr12-114401863-C-A. GRCh37 (hg19) VCF-style: chr12-114839668-C-A.
Other names: c.205G>T, p.Glu69Ter (NM_000192.3); c.55G>T, p.Glu19Ter (NM_080717.4); short protein forms E69*, E19*.
Identifiers: ClinVar variation 7992 (VCV000007992.4), dbSNP rs104894377, ClinGen allele CA254295.